The following is an entry in ClinVar:

ClinVar aggregate classification (germline): Uncertain significance. Review status: criteria provided, multiple submitters, no conflicts (2 of 4 stars). 2 submissions from 2 submitters: Uncertain significance (2). Last evaluated 2023-02-24.

Submissions (2):

GeneDx
Classification: Uncertain significance. Last evaluated: 2023-02-24. Review status: criteria provided, single submitter. Criteria: GeneDx Variant Classification Process June 2021. Collection method: clinical testing. Allele origin: germline. Affected: yes.
Comment: Not observed at significant frequency in large population cohorts (gnomAD); In silico analysis supports that this missense variant has a deleterious effect on protein structure/function; Has not been previously published as pathogenic or benign to our knowledge; Variants in candidate genes are classified as variants of uncertain significance in accordance with ACMG guidelines (Richards et al., 2015)

Labcorp Genetics (formerly Invitae), Labcorp
Classification: Uncertain significance. Last evaluated: 2022-08-20. Review status: criteria provided, single submitter. Criteria: Invitae Variant Classification Sherloc (09022015). Collection method: clinical testing. Allele origin: germline.
Comment: This sequence change replaces glutamine, which is neutral and polar, with leucine, which is neutral and non-polar, at codon 438 of the AK7 protein (p.Gln438Leu). This variant is not present in population databases (gnomAD no frequency). This variant has not been reported in the literature in individuals affected with AK7-related conditions. Algorithms developed to predict the effect of missense changes on protein structure and function are either unavailable or do not agree on the potential impact of this missense change (SIFT: "Tolerated"; PolyPhen-2: "Possibly Damaging"; Align-GVGD: "Class C0"). In summary, the available evidence is currently insufficient to determine the role of this variant in disease. Therefore, it has been classified as a Variant of Uncertain Significance.

NM_152327.5(AK7):c.1313A>T (p.Gln438Leu)

Gene: AK7 (adenylate kinase 7; plus strand). Cytogenetic location: 14q32.2.
Variant type: single nucleotide variant.
Coding change: c.1313A>T on transcript NM_152327.5 (MANE Select); coding-DNA position 1313, A replaced by T.
Protein change: p.Gln438Leu; replaces glutamine 438 with leucine.
Molecular consequence: missense variant.
Genome position (GRCh38, 1-based): chr14:96,458,168, A>T. VCF-style: chr14-96458168-A-T. GRCh37 (hg19) VCF-style: chr14-96924505-A-T.
Other names: c.1313A>T, p.Gln438Leu (NM_001350888.2, NM_001350890.2, NM_001350892.2); c.1235A>T, p.Gln412Leu (NM_001350891.2); c.1313A>T (NM_152327.3); short protein forms Q438L, Q412L.
Identifiers: ClinVar variation 2025083 (VCV002025083.5), dbSNP rs1566797995, ClinGen allele CA390916978.
Genomic context (GRCh38, chr14:96,458,168, plus strand): 5'-TAGGGGAAGGAGAAGAAGAAGTCGAAGAGGAAGAGGAGGAGGAGAATGTGGAAGATGCAC[A>T]GGAGCTCCTAGATGGCATCAAGGAGAGCATGGAGCAGAATGCAGGTAACACACACCCAGC-3'
Protein context (NP_689540.2, residues 428-448): EEEEENVEDA[Gln438Leu]ELLDGIKESM